The following is an entry in ClinVar:

ClinVar aggregate classification (germline): Uncertain significance. Review status: criteria provided, multiple submitters, no conflicts (2 of 4 stars). 5 submissions from 2 submitters: Uncertain significance (5). Last evaluated 2018-01-12.

Conditions:
Transitory neonatal diabetes mellitus. Also called: Transient neonatal diabetes mellitus. Identifiers: MedGen C0342273, MONDO:0020525, HP:0008255.
Maturity-onset diabetes of the young (MODY). Also called: Maturity onset diabetes mellitus in young. Identifiers: Orphanet 552, MedGen C0342276, MONDO:0018911, HP:0004904.
Permanent neonatal diabetes mellitus (PNDM). Identifiers: Orphanet 99885, MedGen C1833104, MONDO:0100164, MONDO:0011643. Disease mechanism: gain of function.
Hyperinsulinemic hypoglycemia, familial, 1 (HHF1). Also called: Persistent hyperinsulinemic hypoglycemia of infancy; HYPERINSULINISM, FAMILIAL, WITH PANCREATIC NESIDIOBLASTOSIS; HYPOGLYCEMIA, HYPERINSULINEMIC, OF INFANCY; NESIDIOBLASTOSIS OF PANCREAS; Persistent Hyperinsulinemia Hypoglycemia of Infancy. Identifiers: Orphanet 276575, Orphanet 276598, MedGen C2931832, MONDO:0009734, OMIM 256450.
Diabetes mellitus, transient neonatal, 2 (TNDM2). Identifiers: Orphanet 99886, MedGen C1835887, MONDO:0012480, OMIM 610374. Disease mechanism: loss of function.

Allele frequency attached by ClinVar (database versions not stated): TOPMed below 0.00001; gnomAD 0.00001; ESP Exome Variant Server 0.00008.

Submissions (5):

Illumina Laboratory Services, Illumina
Classification: Uncertain significance for Permanent neonatal diabetes mellitus 1. Last evaluated: 2018-01-12. Review status: criteria provided, single submitter. Criteria: ICSL Variant Classification Criteria 13 December 2019. Collection method: clinical testing. Allele origin: germline.

Illumina Laboratory Services, Illumina
Classification: Uncertain significance for Diabetes mellitus, transient neonatal, 2. Last evaluated: 2018-01-12. Review status: criteria provided, single submitter. Criteria: ICSL Variant Classification Criteria 13 December 2019. Collection method: clinical testing. Allele origin: germline.

Illumina Laboratory Services, Illumina
Classification: Uncertain significance for Hyperinsulinemic hypoglycemia, familial, 1. Last evaluated: 2018-01-12. Review status: criteria provided, single submitter. Criteria: ICSL Variant Classification Criteria 13 December 2019. Collection method: clinical testing. Allele origin: germline.

Clinical Genomics, Uppaluri K&H Personalized Medicine Clinic
Classification: Uncertain significance for Transitory neonatal diabetes mellitus. Review status: criteria provided, single submitter. Criteria: K & H Uppaluri Personalized Medicine Clinic Variant Classification & Assertion Criteria_Updated V.1. Collection method: research. Allele origin: unknown. Inheritance: Somatic mutation.
Comment: Mutations in ABCC8 gene are associated with both neonatal diabetes mellitus as well as MODY. Patients with this mutation may have a better response to sulfonylureas. However, no sufficient evidence is found to ascertain the role of this particular variant (rs368894930) in neonatal diabetes yet.

Clinical Genomics, Uppaluri K&H Personalized Medicine Clinic
Classification: Uncertain significance for Maturity-onset diabetes of the young. Review status: criteria provided, single submitter. Criteria: K & H Uppaluri Personalized Medicine Clinic Variant Classification & Assertion Criteria_Updated V.1. Collection method: research. Allele origin: unknown. Inheritance: Somatic mutation.
Comment: Mutations in ABCC8 gene are associated with both neonatal diabetes mellitus as well as MODY. Patients with this mutation may have a better response to sulfonylureas. However, no sufficient evidence is found to ascertain the role of this particular variant (rs368894930) in MODY yet.

Literature cited by the submitters: PubMed 16885549 (cited by Clinical Genomics, Uppaluri K&H Personalized Medicine Clinic); PubMed 21989597 (cited by Clinical Genomics, Uppaluri K&H Personalized Medicine Clinic); PubMed 27538677 (cited by Clinical Genomics, Uppaluri K&H Personalized Medicine Clinic); PubMed 18981553 (cited by Clinical Genomics, Uppaluri K&H Personalized Medicine Clinic); PubMed 32027066 (cited by Clinical Genomics, Uppaluri K&H Personalized Medicine Clinic); PubMed 16613899 (cited by Clinical Genomics, Uppaluri K&H Personalized Medicine Clinic); PubMed 18025408 (cited by Clinical Genomics, Uppaluri K&H Personalized Medicine Clinic); PubMed 32792356 (cited by Clinical Genomics, Uppaluri K&H Personalized Medicine Clinic).

NM_000352.6(ABCC8):c.541A>T (p.Met181Leu)

Gene: ABCC8 (ATP binding cassette subfamily C member 8; minus strand). Cytogenetic location: 11p15.1.
Variant type: single nucleotide variant.
Coding change: c.541A>T on transcript NM_000352.6 (MANE Select); coding-DNA position 541, A replaced by T.
Protein change: p.Met181Leu; replaces methionine 181 with leucine.
Molecular consequence: missense variant. On other transcripts: non-coding transcript variant (1).
Genome position (GRCh38, 1-based): chr11:17,463,476, T>A on the plus strand (A>T on the coding strand, the complement: ABCC8 is on the minus strand). VCF-style: chr11-17463476-T-A. GRCh37 (hg19) VCF-style: chr11-17485023-T-A.
Other names: c.541A>T, p.Met181Leu (NM_001287174.3, NM_001351295.2, NM_001351296.2 and 1 more transcripts); short protein forms M181L.
Identifiers: ClinVar variation 303785 (VCV000303785.7), dbSNP rs368894930, ClinGen allele CA10630474.
Genomic context (GRCh38, chr11:17,463,476, plus strand): 5'-CTGGCCCAGGTGGCCTGCTTACCCTCACCCTGATGACATTGACCTCCACGAGGAGCAGCA[T>A]CCCATAGAGGATCACCAGCAGCCCTGTGAGGCAGAAGCGTAGCTGCGAGAAGCCGATGGC-3'
Protein context (NP_000343.2, residues 171-191): LTGLLVILYG[Met181Leu]LLLVEVNVIR